The following is an entry in ClinVar:

NM_004700.4(KCNQ4):c.1531G>A (p.Val511Ile)

Gene: KCNQ4 (potassium voltage-gated channel subfamily Q member 4; plus strand). Cytogenetic location: 1p34.2.
Variant type: single nucleotide variant.
Coding change: c.1531G>A on transcript NM_004700.4 (MANE Select); coding-DNA position 1531, G replaced by A.
Protein change: p.Val511Ile; replaces valine 511 with isoleucine.
Molecular consequence: missense variant.
Genome position (GRCh38, 1-based): chr1:40,833,031, G>A. VCF-style: chr1-40833031-G-A. GRCh37 (hg19) VCF-style: chr1-41298703-G-A.
Other names: c.1369G>A, p.Val457Ile (NM_172163.3); short protein forms V511I, V457I.
Identifiers: ClinVar variation 228770 (VCV000228770.9), dbSNP rs778538229, ClinGen allele CA794924.

ClinVar aggregate classification (germline): Uncertain significance. Review status: criteria provided, multiple submitters, no conflicts (2 of 4 stars). 3 submissions from 3 submitters: Uncertain significance (3). Last evaluated 2025-02-03.

Conditions:
Autosomal dominant nonsyndromic hearing loss 2A. Also called: DFNA2 Nonsyndromic Hearing Loss; Deafness, autosomal dominant 2A; Autosomal dominant nonsyndromic deafness 2A. Identifiers: Orphanet 90635, MedGen C2677637, MONDO:0010817, OMIM 600101.

Allele frequency attached by ClinVar (database versions not stated): ExAC 0.00001; gnomAD 0.00001; gnomAD exomes 0.00001 and 0.00004; TOPMed 0.00002.
gnomAD v4.1: 56 of 1,613,342 alleles (0.0035%); highest among the groups gnomAD compares: Non-Finnish European, 0.0046%; no homozygotes.

Submissions (3):

Labcorp Genetics (formerly Invitae), Labcorp
Classification: Uncertain significance. Last evaluated: 2025-02-03. Review status: criteria provided, single submitter. Criteria: Invitae Variant Classification Sherloc (09022015). Collection method: clinical testing. Allele origin: germline.
Comment: This sequence change replaces valine, which is neutral and non-polar, with isoleucine, which is neutral and non-polar, at codon 511 of the KCNQ4 protein (p.Val511Ile). This variant is present in population databases (rs778538229, gnomAD 0.003%). This variant has not been reported in the literature in individuals affected with KCNQ4-related conditions. ClinVar contains an entry for this variant (Variation ID: 228770). Invitae Evidence Modeling of protein sequence and biophysical properties (such as structural, functional, and spatial information, amino acid conservation, physicochemical variation, residue mobility, and thermodynamic stability) indicates that this missense variant is not expected to disrupt KCNQ4 protein function with a negative predictive value of 95%. In summary, the available evidence is currently insufficient to determine the role of this variant in disease. Therefore, it has been classified as a Variant of Uncertain Significance.

Genome-Nilou Lab
Classification: Uncertain significance for Autosomal dominant nonsyndromic hearing loss 2A. Last evaluated: 2023-04-11. Review status: criteria provided, single submitter. Criteria: ACMG Guidelines, 2015. Collection method: clinical testing. Allele origin: germline. Affected: no.

Laboratory for Molecular Medicine, Mass General Brigham Personalized Medicine
Classification: Uncertain significance. Last evaluated: 2016-01-15. Review status: criteria provided, single submitter. Criteria: LMM Criteria. Collection method: clinical testing. Allele origin: germline. Observed: 1 variant allele.
Comment: The p.Val511Ile variant in KCNQ4 has not been previously reported in individuals with hearing loss, but has been identified in 1/16510 South Asian chromosomes b y the Exome Aggregation Consortium (ExAC; dbSNP rs778538229). Although this variant has been seen in the general population, its frequency is not high enough to rule out a pathogenic role. Computational predi ction tools and conservation analyses suggest that the p.Val511Ile variant may n ot impact the protein, though this information is not predictive enough to rule out pathogenicity. Of note, one mammal (Cape elephant shrew) has an isoleucine ( Ile) at this position despite nearby amino acid conservation. In summary, the cl inical significance of the p.Val511Ile variant is uncertain.